The following is an entry in ClinVar:

ClinVar aggregate classification (germline): Likely benign. Review status: criteria provided, multiple submitters, no conflicts (2 of 4 stars). 2 submissions from 2 submitters: Likely benign (2). Last evaluated 2024-01-31.

Allele frequency attached by ClinVar (database versions not stated): gnomAD exomes below 0.00001; ExAC 0.00001; gnomAD 0.00001.
gnomAD v4.1: 3 of 1,613,050 alleles (0.00019%); highest among the groups gnomAD compares: Non-Finnish European, 0.00025%; no homozygotes.

Submissions (2):

Labcorp Genetics (formerly Invitae), Labcorp
Classification: Likely benign. Last evaluated: 2024-01-31. Review status: criteria provided, single submitter. Criteria: Invitae Variant Classification Sherloc (09022015). Collection method: clinical testing. Allele origin: germline.

Laboratory for Molecular Medicine, Mass General Brigham Personalized Medicine
Classification: Likely benign. Last evaluated: 2016-07-14. Review status: criteria provided, single submitter. Criteria: LMM Criteria. Collection method: clinical testing. Allele origin: germline. Observed: 1 variant allele.
Comment: p.Gly1177Gly in exon 48 of COL11A2: This variant is not expected to have clinica l significance because it does not alter an amino acid residue and is not locate d within the splice consensus sequence. It has been identified in 1/63984 Europe an chromosomes by the Exome Aggregation Consortium (ExAC; dbSNP rs530771165).

NM_080680.3(COL11A2):c.3531A>C (p.Gly1177=)

Gene: COL11A2 (collagen type XI alpha 2 chain; minus strand). Cytogenetic location: 6p21.32.
Variant type: single nucleotide variant.
Coding change: c.3531A>C on transcript NM_080680.3 (MANE Select); coding-DNA position 3531, A replaced by C.
Protein change: p.Gly1177=; no amino-acid change (glycine 1177 retained).
Molecular consequence: synonymous variant.
Genome position (GRCh38, 1-based): chr6:33,170,377, T>G on the plus strand (A>C on the coding strand, the complement: COL11A2 is on the minus strand). VCF-style: chr6-33170377-T-G. GRCh37 (hg19) VCF-style: chr6-33138154-T-G.
Other names: c.3210A>C, p.Gly1070= (NM_080679.3); c.3273A>C, p.Gly1091= (NM_080681.3).
Identifiers: ClinVar variation 505215 (VCV000505215.7), dbSNP rs530771165, ClinGen allele CA3750463.
Genomic context (GRCh38, chr6:33,170,377, plus strand): 5'-ATGACTCACATCAGCGCCATTGGGTCCAGCTGGACCTCGAGGTCCTGGGGGGCCAGGTGG[T>G]CCCTGGGGGAAACAGATACACCACAGATGAGGAAGGGAAGTGAGATGGCTGAGCATGAAT-3'
Protein context (NP_542411.2, residues 1167-1187): KGETGDVGPM[Gly1177=]PPGPPGPRGP